The following is an entry in ClinVar:

ClinVar aggregate classification (germline): Uncertain significance (1 of 4 stars; one submission).

Conditions:
Mucopolysaccharidosis type 1. Also called: IDUA deficiency; MPS I; Mucopolysaccharidosis Type I. Identifiers: Orphanet 579, MedGen C0023786, MONDO:0001586.

gnomAD v4.1: 3 of 1,425,382 alleles (0.00021%); highest among the groups gnomAD compares: Non-Finnish European, 0.00027%; no homozygotes.

Submission:

Labcorp Genetics (formerly Invitae), Labcorp
Classification: Uncertain significance for Mucopolysaccharidosis type 1. Last evaluated: 2022-07-05. Review status: criteria provided, single submitter. Criteria: Invitae Variant Classification Sherloc (09022015). Collection method: clinical testing. Allele origin: germline.
Comment: This sequence change replaces proline, which is neutral and non-polar, with leucine, which is neutral and non-polar, at codon 25 of the IDUA protein (p.Pro25Leu). This variant is not present in population databases (gnomAD no frequency). This variant has not been reported in the literature in individuals affected with IDUA-related conditions. Advanced modeling of protein sequence and biophysical properties (such as structural, functional, and spatial information, amino acid conservation, physicochemical variation, residue mobility, and thermodynamic stability) performed at Invitae indicates that this missense variant is not expected to disrupt IDUA protein function. In summary, the available evidence is currently insufficient to determine the role of this variant in disease. Therefore, it has been classified as a Variant of Uncertain Significance.

NM_000203.5(IDUA):c.74C>T (p.Pro25Leu)

Genes: IDUA (alpha-L-iduronidase; plus strand), SLC26A1 (solute carrier family 26 member 1; minus strand). Cytogenetic location: 4p16.3.
Variant type: single nucleotide variant.
Coding change: c.74C>T on transcript NM_000203.5 (MANE Select); coding-DNA position 74, C replaced by T.
Protein change: p.Pro25Leu; replaces proline 25 with leucine.
Molecular consequence: missense variant. On other transcripts: non-coding transcript variant (1), intron variant (1).
Genome position (GRCh38, 1-based): chr4:987,158, C>T. VCF-style: chr4-987158-C-T. GRCh37 (hg19) VCF-style: chr4-980946-C-T.
Other names: c.576+3970G>A (NM_134425.4); short protein forms P25L.
Identifiers: ClinVar variation 2145059 (VCV002145059.1), dbSNP rs1173398291, ClinGen allele CA355945407.
Genomic context (GRCh38, chr4:987,158, plus strand): 5'-GCCCCCGCGCCGCGCTGCTGGCGCTCCTGGCCTCGCTCCTGGCCGCGCCCCCGGTGGCCC[C>T]GGCCGAGGCCCCGCACCTGGTGCATGTGGACGCGGCCCGCGCGCTGTGGCCCCTGCGGCG-3'
Protein context (NP_000194.2, residues 15-35): ASLLAAPPVA[Pro25Leu]AEAPHLVHVD